The following is an entry in ClinVar:

ClinVar aggregate classification (germline): Uncertain significance (1 of 4 stars; one submission).

Conditions:
Inborn genetic diseases. Identifiers: MedGen C0950123, MeSH D030342.

Submission:

Ambry Genetics
Classification: Uncertain significance for Inborn genetic diseases. Last evaluated: 2024-12-08. Review status: criteria provided, single submitter. Criteria: Ambry Variant Classification Scheme 2023. Collection method: clinical testing. Allele origin: germline.
Comment: The p.Q1169R variant (also known as c.3506A>G), located in coding exon 1 of the SAMD9 gene, results from an A to G substitution at nucleotide position 3506. The glutamine at codon 1169 is replaced by arginine, an amino acid with highly similar properties. This amino acid position is conserved. In addition, this alteration is predicted to be tolerated by in silico analysis. Based on the available evidence, the clinical significance of this variant remains unclear.

NM_017654.4(SAMD9):c.3506A>G (p.Gln1169Arg)

Gene: SAMD9 (sterile alpha motif domain containing 9; minus strand). Cytogenetic location: 7q21.2.
Variant type: single nucleotide variant.
Coding change: c.3506A>G on transcript NM_017654.4 (MANE Select); coding-DNA position 3506, A replaced by G.
Protein change: p.Gln1169Arg; replaces glutamine 1169 with arginine.
Molecular consequence: missense variant.
Genome position (GRCh38, 1-based): chr7:93,102,592, T>C on the plus strand (A>G on the coding strand, the complement: SAMD9 is on the minus strand). VCF-style: chr7-93102592-T-C. GRCh37 (hg19) VCF-style: chr7-92731905-T-C.
Other names: c.3506A>G, p.Gln1169Arg (NM_001193307.2); short protein forms Q1169R.
Identifiers: ClinVar variation 3437104 (VCV003437104.1).